The following is an entry in ClinVar:

NM_001258392.3(CLPB):c.2033A>G (p.Ter678Trp)

Gene: CLPB (ClpB family mitochondrial disaggregase; minus strand). Cytogenetic location: 11q13.4.
Variant type: single nucleotide variant.
Coding change: c.2033A>G on transcript NM_001258392.3 (MANE Select); coding-DNA position 2033, A replaced by G.
Protein change: p.Ter678Trp.
Molecular consequence: stop lost.
Genome position (GRCh38, 1-based): chr11:72,293,368, T>C on the plus strand (A>G on the coding strand, the complement: CLPB is on the minus strand). VCF-style: chr11-72293368-T-C. GRCh37 (hg19) VCF-style: chr11-72004412-T-C.
Other names: *678W; *708W; *663W; *649W; c.1946A>G, p.Ter649Trp (NM_001258393.3); c.1988A>G, p.Ter663Trp (NM_001258394.3); c.2123A>G, p.Ter708Trp (NM_030813.6).
Identifiers: ClinVar variation 859467 (VCV000859467.10), dbSNP rs1949484806, ClinGen allele CA381722513.

ClinVar aggregate classification (germline): Uncertain significance (1 of 4 stars; one submission).

Conditions:
3-methylglutaconic aciduria, type VIIB (MGCA7B). Also called: 3-methylglutaconic aciduria with cataracts, neurologic involvement and neutropenia; CLPB Deficiency; 3-methylglutaconic aciduria, type VII, with cataracts, neurologic involvement and neutropenia. Identifiers: Orphanet 445038, MedGen C5676893, MONDO:0014561, OMIM 616271.

Submission:

Labcorp Genetics (formerly Invitae), Labcorp
Classification: Uncertain significance for 3-methylglutaconic aciduria, type VIIB. Last evaluated: 2024-10-29. Review status: criteria provided, single submitter. Criteria: Invitae Variant Classification Sherloc (09022015). Collection method: clinical testing. Allele origin: germline.
Comment: This sequence change disrupts the translational stop signal of the CLPB mRNA. It is expected to extend the length of the CLPB protein by 71 additional amino acid residues. This variant is not present in population databases (gnomAD no frequency). This variant has not been reported in the literature in individuals affected with CLPB-related conditions. ClinVar contains an entry for this variant (Variation ID: 859467). In summary, the available evidence is currently insufficient to determine the role of this variant in disease. Therefore, it has been classified as a Variant of Uncertain Significance.